The following is an entry in ClinVar:

NM_000238.4(KCNH2):c.709C>T (p.Pro237Ser)

Gene: KCNH2 (potassium voltage-gated channel subfamily H member 2; minus strand). Cytogenetic location: 7q36.1.
Variant type: single nucleotide variant.
Coding change: c.709C>T on transcript NM_000238.4 (MANE Select); coding-DNA position 709, C replaced by T.
Protein change: p.Pro237Ser; replaces proline 237 with serine.
Molecular consequence: missense variant. On other transcripts: non-coding transcript variant (1).
Genome position (GRCh38, 1-based): chr7:150,958,266, G>A on the plus strand (C>T on the coding strand, the complement: KCNH2 is on the minus strand). VCF-style: chr7-150958266-G-A. GRCh37 (hg19) VCF-style: chr7-150655354-G-A.
Other names: c.421C>T, p.Pro141Ser (NM_001406753.1, NM_001406756.1); c.532C>T, p.Pro178Ser (NM_001406755.1); c.409C>T, p.Pro137Ser (NM_001406757.1); c.709C>T, p.Pro237Ser (NM_172056.3); short protein forms P137S, P141S, P178S, P237S.
Identifiers: ClinVar variation 4858636 (VCV004858636.1).

ClinVar aggregate classification (germline): Uncertain significance (1 of 4 stars; one submission).

Conditions:
Cardiovascular phenotype. Identifiers: MedGen CN230736.

Submission:

Ambry Genetics
Classification: Uncertain significance for Cardiovascular phenotype. Last evaluated: 2026-06-06. Review status: criteria provided, single submitter. Criteria: Ambry Variant Classification Scheme 2023. Collection method: clinical testing. Allele origin: germline.
Comment: The p.P237S variant (also known as c.709C>T), located in coding exon 4 of the KCNH2 gene, results from a C to T substitution at nucleotide position 709. The proline at codon 237 is replaced by serine, an amino acid with similar properties. This amino acid position is conserved. In addition, this alteration is predicted to be tolerated by in silico analysis. Based on the available evidence, the clinical significance of this variant remains unclear.